The following is an entry in ClinVar:

ClinVar aggregate classification (germline): Uncertain significance (1 of 4 stars; one submission).

Conditions:
Hereditary cancer-predisposing syndrome. Also called: Neoplastic Syndromes, Hereditary; Tumor predisposition; Hereditary neoplastic syndrome; Hereditary Cancer Syndrome. Identifiers: Orphanet 140162, MedGen C0027672, MeSH D009386, MONDO:0015356.

Submission:

Ambry Genetics
Classification: Uncertain significance for Hereditary cancer-predisposing syndrome. Last evaluated: 2024-04-10. Review status: criteria provided, single submitter. Criteria: Ambry Variant Classification Scheme 2023. Collection method: clinical testing. Allele origin: germline.
Comment: The p.D2053V variant (also known as c.6158A>T), located in coding exon 45 of the POLE gene, results from an A to T substitution at nucleotide position 6158. The aspartic acid at codon 2053 is replaced by valine, an amino acid with highly dissimilar properties. This amino acid position is conserved. In addition, the in silico prediction for this alteration is inconclusive. Based on the available evidence, the clinical significance of this variant remains unclear.

NM_006231.4(POLE):c.6158A>T (p.Asp2053Val)

Gene: POLE (DNA polymerase epsilon, catalytic subunit; minus strand). Cytogenetic location: 12q24.33.
Variant type: single nucleotide variant.
Coding change: c.6158A>T on transcript NM_006231.4 (MANE Select); coding-DNA position 6158, A replaced by T.
Protein change: p.Asp2053Val; replaces aspartic acid 2053 with valine.
Molecular consequence: missense variant.
Genome position (GRCh38, 1-based): chr12:132,632,487, T>A on the plus strand (A>T on the coding strand, the complement: POLE is on the minus strand). VCF-style: chr12-132632487-T-A. GRCh37 (hg19) VCF-style: chr12-133209073-T-A.
Other names: short protein forms D2053V.
Identifiers: ClinVar variation 3308374 (VCV003308374.1).